The following is an entry in ClinVar:

ClinVar aggregate classification (germline): Uncertain significance (1 of 4 stars; one submission).

Submission:

Labcorp Genetics (formerly Invitae), Labcorp
Classification: Uncertain significance. Last evaluated: 2024-07-08. Review status: criteria provided, single submitter. Criteria: Invitae Variant Classification Sherloc (09022015). Collection method: clinical testing. Allele origin: germline.
Comment: This variant, c.336_338del, results in the deletion of 1 amino acid(s) of the ERCC6L2 protein (p.Ser114del), but otherwise preserves the integrity of the reading frame. This variant is present in population databases (rs762944138, gnomAD 0.007%). This variant has not been reported in the literature in individuals affected with ERCC6L2-related conditions. Experimental studies and prediction algorithms are not available or were not evaluated, and the functional significance of this variant is currently unknown. In summary, the available evidence is currently insufficient to determine the role of this variant in disease. Therefore, it has been classified as a Variant of Uncertain Significance.

NM_020207.7(ERCC6L2):c.300ATC[1] (p.Ser103del)

Gene: ERCC6L2 (ERCC excision repair 6 like 2; plus strand). Cytogenetic location: 9q22.32.
Variant type: Microsatellite.
Coding change: c.300ATC[1] on transcript NM_020207.7 (MANE Select); one copy of the 3-base unit ATC starting at c.300; the reference has two copies in a row; one copy, 3 bases deleted.
Protein change: p.Ser103del; deletes serine 103.
Molecular consequence: inframe deletion. On other transcripts: non-coding transcript variant (1).
Genome position (GRCh38, 1-based): chr9:95,881,125-95,881,127, ATC deleted; deleting any 3 consecutive bases within chr9:95,881,121-95,881,127 gives the same sequence; the position shown is the placement nearest the transcript's 3' end. VCF-style (leftmost placement, unchanged base first): chr9-95881120-CCAT-C. GRCh37 (hg19) VCF-style: chr9-98643402-CCAT-C.
Other names: c.300ATC[1], p.Ser103del (NM_001010895.4, NM_001375291.1, NM_001375292.1 and 2 more transcripts); short protein forms S103del.
Identifiers: ClinVar variation 2052358 (VCV002052358.3), dbSNP rs762944138, ClinGen allele CA5139267.